The following is an entry in ClinVar:

NM_022124.6(CDH23):c.4881G>C (p.Glu1627Asp)

Gene: CDH23 (cadherin related 23; plus strand). Cytogenetic location: 10q22.1.
Variant type: single nucleotide variant.
Coding change: c.4881G>C on transcript NM_022124.6 (MANE Select); coding-DNA position 4881, G replaced by C.
Protein change: p.Glu1627Asp; replaces glutamic acid 1627 with aspartic acid.
Molecular consequence: missense variant.
Genome position (GRCh38, 1-based): chr10:71,777,715, G>C. VCF-style: chr10-71777715-G-C. GRCh37 (hg19) VCF-style: chr10-73537472-G-C.
Other names: short protein forms E1627D.
Identifiers: ClinVar variation 2093147 (VCV002093147.4), dbSNP rs2494337959, ClinGen allele CA377140009.

ClinVar aggregate classification (germline): Uncertain significance (1 of 4 stars; one submission).

Submission:

Labcorp Genetics (formerly Invitae), Labcorp
Classification: Uncertain significance. Last evaluated: 2025-01-06. Review status: criteria provided, single submitter. Criteria: Invitae Variant Classification Sherloc (09022015). Collection method: clinical testing. Allele origin: germline.
Comment: This sequence change replaces glutamic acid, which is acidic and polar, with aspartic acid, which is acidic and polar, at codon 1627 of the CDH23 protein (p.Glu1627Asp). This variant is not present in population databases (gnomAD no frequency). This variant has not been reported in the literature in individuals affected with CDH23-related conditions. ClinVar contains an entry for this variant (Variation ID: 2093147). Invitae Evidence Modeling of protein sequence and biophysical properties (such as structural, functional, and spatial information, amino acid conservation, physicochemical variation, residue mobility, and thermodynamic stability) has been performed for this missense variant. However, the output from this modeling did not meet the statistical confidence thresholds required to predict the impact of this variant on CDH23 protein function. In summary, the available evidence is currently insufficient to determine the role of this variant in disease. Therefore, it has been classified as a Variant of Uncertain Significance.